The following is an entry in ClinVar:

NM_003998.4(NFKB1):c.181G>A (p.Val61Ile)

Gene: NFKB1 (nuclear factor kappa B subunit 1; plus strand). Cytogenetic location: 4q24.
Variant type: single nucleotide variant.
Coding change: c.181G>A on transcript NM_003998.4 (MANE Select); coding-DNA position 181, G replaced by A.
Protein change: p.Val61Ile; replaces valine 61 with isoleucine.
Molecular consequence: missense variant.
Genome position (GRCh38, 1-based): chr4:102,537,879, G>A. VCF-style: chr4-102537879-G-A. GRCh37 (hg19) VCF-style: chr4-103459036-G-A.
Other names: c.181G>A, p.Val61Ile (NM_001382625.1, NM_001382626.1); c.178G>A, p.Val60Ile (NM_001382627.1, NM_001165412.2, NM_001319226.2); c.139G>A, p.Val47Ile (NM_001382628.1); short protein forms V47I, V60I, V61I.
Identifiers: ClinVar variation 2575659 (VCV002575659.2), dbSNP rs2476200201, ClinGen allele CA357957646.
Genomic context (GRCh38, chr4:102,537,879, plus strand): 5'-ATTTCTCAAACTTAATTGGCTTAACGTTCACCTTTGCAGAGAGGATTTCGTTTCCGTTAT[G>A]TATGTGAAGGCCCATCCCATGGTGGACTACCTGGTGCCTCTAGTGAAAAGAACAAGAAGT-3'
Protein context (NP_003989.2, residues 51-71): PKQRGFRFRY[Val61Ile]CEGPSHGGLP

ClinVar aggregate classification (germline): Uncertain significance. Review status: criteria provided, multiple submitters, no conflicts (2 of 4 stars). 2 submissions from 2 submitters: Uncertain significance (2). Last evaluated 2025-04-30.

Conditions:
NFKB1-related disorder. Also called: NFKB1-related condition.

Allele frequency attached by ClinVar (database versions not stated): gnomAD exomes below 0.00001.
gnomAD v4.1: 5 of 1,610,234 alleles (0.00031%); highest among the groups gnomAD compares: Non-Finnish European, 0.00042%; no homozygotes.

Submissions (2):

PreventionGenetics, part of Exact Sciences
Classification: Uncertain significance for NFKB1-related condition. Last evaluated: 2025-04-30. Review status: criteria provided, single submitter. Criteria: ACMG Guidelines, 2015. Collection method: clinical testing. Allele origin: germline.
Comment: The NFKB1 c.181G>A variant is predicted to result in the amino acid substitution p.Val61Ile. To our knowledge, this variant has not been reported in the literature or in a large population database (gnomAD), indicating this variant is rare. At this time, the clinical significance of this variant is uncertain due to the absence of conclusive functional and genetic evidence.

GeneDx
Classification: Uncertain significance. Last evaluated: 2023-02-10. Review status: criteria provided, single submitter. Criteria: GeneDx Variant Classification Process June 2021. Collection method: clinical testing. Allele origin: germline. Affected: yes.
Comment: Not observed at significant frequency in large population cohorts (gnomAD); In silico analysis supports that this missense variant does not alter protein structure/function; Has not been previously published as pathogenic or benign to our knowledge